The following is an entry in ClinVar:

NM_006361.6(HOXB13):c.333G>T (p.Ala111=)

Gene: HOXB13 (homeobox B13; minus strand). Cytogenetic location: 17q21.32.
Variant type: single nucleotide variant.
Coding change: c.333G>T on transcript NM_006361.6 (MANE Select); coding-DNA position 333, G replaced by T.
Protein change: p.Ala111=; no amino-acid change (alanine 111 retained).
Molecular consequence: synonymous variant.
Genome position (GRCh38, 1-based): chr17:48,728,261, C>A on the plus strand (G>T on the coding strand, the complement: HOXB13 is on the minus strand). VCF-style: chr17-48728261-C-A. GRCh37 (hg19) VCF-style: chr17-46805623-C-A.
Identifiers: ClinVar variation 1561779 (VCV001561779.9), dbSNP rs757423683, ClinGen allele CA500661899.
Genomic context (GRCh38, chr17:48,728,261, plus strand): 5'-CGGATAGAAGGCAAACTCAGTGGGGCGGCTGGGGTACTCTTCCCCGGCCGTGGGAGTCTC[C>A]GCGGGGTACGCGGCCAGGGTGGCTGCCTGGGCACAGGGTTTCAGCGAGCTCCGGGACACT-3'
Protein context (NP_006352.2, residues 101-121): AQAATLAAYP[Ala111=]ETPTAGEEYP

ClinVar aggregate classification (germline): Benign/Likely benign. Review status: criteria provided, multiple submitters, no conflicts (2 of 4 stars). 2 submissions from 2 submitters: Benign (1); Likely benign (1). Last evaluated 2024-10-29.

Conditions:
Prostate cancer, hereditary, 9 (HPC9). Identifiers: Orphanet 1331, MedGen C1970250, MONDO:0012597, OMIM 610997.

Submissions (2):

Myriad Genetics, Inc.
Classification: Benign for Prostate cancer, hereditary, 9. Last evaluated: 2024-10-29. Review status: criteria provided, single submitter. Criteria: Myriad Autosomal Dominant, Autosomal Recessive and X-Linked Classification Criteria (2023). Collection method: clinical testing. Allele origin: unknown.
Comment: This variant is considered benign. This variant is a silent/synonymous amino acid change and it is not expected to impact splicing.

Labcorp Genetics (formerly Invitae), Labcorp
Classification: Likely benign. Last evaluated: 2023-12-03. Review status: criteria provided, single submitter. Criteria: Invitae Variant Classification Sherloc (09022015). Collection method: clinical testing. Allele origin: germline.